The following is an entry in ClinVar:

ClinVar aggregate classification (germline): Uncertain significance (1 of 4 stars; one submission).

Conditions:
Anauxetic dysplasia. Identifiers: Orphanet 93347, MedGen C1846796, MONDO:0011773.

Submission:

Labcorp Genetics (formerly Invitae), Labcorp
Classification: Uncertain significance for Anauxetic dysplasia. Last evaluated: 2025-09-17. Review status: criteria provided, single submitter. Criteria: Invitae Variant Classification Sherloc (09022015). Collection method: clinical testing. Allele origin: germline.
Comment: This variant occurs in the RMRP gene, which encodes an RNA molecule that does not result in a protein product. This variant is present in population databases (no rsID available, gnomAD 0.01%). This variant has not been reported in the literature in individuals affected with RMRP-related conditions. Experimental studies and prediction algorithms are not available or were not evaluated, and the functional significance of this variant is currently unknown. In summary, the available evidence is currently insufficient to determine the role of this variant in disease. Therefore, it has been classified as a Variant of Uncertain Significance.

NC_000009.12:g.35658065G>C

Gene: RMRP (RNA component of mitochondrial RNA processing endoribonuclease; minus strand). Cytogenetic location: 9p13.3.
Variant type: single nucleotide variant.
Genome position: GRCh38 VCF-style: chr9-35658065-G-C. GRCh37 (hg19) VCF-style: chr9-35658062-G-C.
Identifiers: ClinVar variation 2182586 (VCV002182586.2), dbSNP rs3829076, ClinGen allele CA587570278.
Genomic context (GRCh38, chr9:35,658,065, plus strand): 5'-CTTCAGCACGAACCACGTCCTCAGCTTCACAGAGTAGTATTTTATAGCCCTAAAGAAATT[G>C]TGTTTTATGATTAGGGTGAGAAAGTTGGTGGCGTGAGATTAAAAAAACCGTTTTCGGGCA-3'